The following is an entry in ClinVar:

ClinVar aggregate classification (germline): Uncertain significance (1 of 4 stars; one submission).

Conditions:
Combined immunodeficiency due to MALT1 deficiency. Also called: Immunodeficiency 12. Identifiers: Orphanet 397964, MedGen C3809583, MONDO:0014197, OMIM 615468.

Allele frequency attached by ClinVar (database versions not stated): gnomAD 0.00001 and 0.00002; gnomAD exomes 0.00002 and 0.00004; TOPMed 0.00002; ExAC 0.00005; 1000 Genomes Project 30x 0.00016; 1000 Genomes Project 0.00020.
gnomAD v4.1: 35 of 1,606,976 alleles (0.0022%); highest among the groups gnomAD compares: Admixed American, 0.012%; no homozygotes.

Submission:

Labcorp Genetics (formerly Invitae), Labcorp
Classification: Uncertain significance for Combined immunodeficiency due to MALT1 deficiency. Last evaluated: 2022-09-13. Review status: criteria provided, single submitter. Criteria: Invitae Variant Classification Sherloc (09022015). Collection method: clinical testing. Allele origin: germline.
Comment: This sequence change replaces isoleucine, which is neutral and non-polar, with methionine, which is neutral and non-polar, at codon 625 of the MALT1 protein (p.Ile625Met). This variant is present in population databases (rs567205027, gnomAD 0.02%). This variant has not been reported in the literature in individuals affected with MALT1-related conditions. ClinVar contains an entry for this variant (Variation ID: 1036816). Advanced modeling of protein sequence and biophysical properties (such as structural, functional, and spatial information, amino acid conservation, physicochemical variation, residue mobility, and thermodynamic stability) performed at Invitae indicates that this missense variant is not expected to disrupt MALT1 protein function. In summary, the available evidence is currently insufficient to determine the role of this variant in disease. Therefore, it has been classified as a Variant of Uncertain Significance.

NM_006785.4(MALT1):c.1875A>G (p.Ile625Met)

Gene: MALT1 (MALT1 paracaspase; plus strand). Cytogenetic location: 18q21.32.
Variant type: single nucleotide variant.
Coding change: c.1875A>G on transcript NM_006785.4 (MANE Select); coding-DNA position 1875, A replaced by G.
Protein change: p.Ile625Met; replaces isoleucine 625 with methionine.
Molecular consequence: missense variant.
Genome position (GRCh38, 1-based): chr18:58,744,459, A>G. VCF-style: chr18-58744459-A-G. GRCh37 (hg19) VCF-style: chr18-56411691-A-G.
Other names: c.1842A>G, p.Ile614Met (NM_173844.3); short protein forms I614M, I625M.
Identifiers: ClinVar variation 1036816 (VCV001036816.6), dbSNP rs567205027, ClinGen allele CA8978001.